The following is an entry in ClinVar:

NM_024782.3(NHEJ1):c.390+120T>C

Gene: NHEJ1 (non-homologous end joining factor 1; minus strand). Cytogenetic location: 2q35.
Variant type: single nucleotide variant.
Coding change: c.390+120T>C on transcript NM_024782.3 (MANE Select); 120 bases into the intron after coding-DNA position 390, T replaced by C.
Molecular consequence: intron variant.
Genome position (GRCh38, 1-based): chr2:219,157,352, A>G on the plus strand (T>C on the coding strand, the complement: NHEJ1 is on the minus strand). VCF-style: chr2-219157352-A-G. GRCh37 (hg19) VCF-style: chr2-220022074-A-G.
Other names: c.390+120T>C (NM_001377499.1, NM_001377498.1).
Identifiers: ClinVar variation 1178377 (VCV001178377.4), dbSNP rs12694451, ClinGen allele CA15150015.
Genomic context (GRCh38, chr2:219,157,352, plus strand): 5'-CCTTTTGCAAGGAAAGGATTTAACAGTCAAGAATCCTTTTTGCCTTCTGTTTAGTCAAGG[A>G]AAGTTTTCTGATTGGAGAAGAATTTCAAACAAGGTTTGCAAAAAAAATAAAAGCACCTAA-3'

ClinVar aggregate classification (germline): Benign. Review status: criteria provided, multiple submitters, no conflicts (2 of 4 stars). 2 submissions from 2 submitters: Benign (2). Last evaluated 2023-11-12.

Allele frequency attached by ClinVar (database versions not stated): TOPMed 0.47284; 1000 Genomes Project 30x 0.41209; 1000 Genomes Project 0.41394.
gnomAD v4.1: 485,951 of 845,326 alleles (57%); highest among the groups gnomAD compares: Non-Finnish European, 64%; 146,642 homozygotes.

Submissions (2):

Unidad de Genómica Garrahan, Hospital de Pediatría Garrahan
Classification: Benign. Last evaluated: 2023-11-12. Review status: criteria provided, single submitter. Criteria: ACMG Guidelines, 2015. Collection method: clinical testing. Allele origin: germline. Affected: no. Observed: 60 variant alleles.
Comment: This variant is classified as Benign based on local population frequency. This variant was detected in 63% of patients studied by a panel of primary immunodeficiencies. Number of patients: 60. Only high quality variants are reported.

GeneDx
Classification: Benign. Last evaluated: 2018-06-23. Review status: criteria provided, single submitter. Criteria: GeneDx Variant Classification Process June 2021. Collection method: clinical testing. Allele origin: germline. Affected: yes.